The following is an entry in ClinVar:

NM_014795.4(ZEB2):c.1616G>C (p.Cys539Ser)

Gene: ZEB2 (zinc finger E-box binding homeobox 2; minus strand). Cytogenetic location: 2q22.3.
Variant type: single nucleotide variant.
Coding change: c.1616G>C on transcript NM_014795.4 (MANE Select); coding-DNA position 1616, G replaced by C.
Protein change: p.Cys539Ser; replaces cysteine 539 with serine.
Molecular consequence: missense variant.
Genome position (GRCh38, 1-based): chr2:144,399,571, C>G on the plus strand (G>C on the coding strand, the complement: ZEB2 is on the minus strand). VCF-style: chr2-144399571-C-G. GRCh37 (hg19) VCF-style: chr2-145157138-C-G.
Other names: c.1544G>C, p.Cys515Ser (NM_001171653.2); short protein forms C515S, C539S.
Identifiers: ClinVar variation 2827412 (VCV002827412.3), dbSNP rs1345718927, ClinGen allele CA348710704.

ClinVar aggregate classification (germline): Uncertain significance (1 of 4 stars; one submission).

Conditions:
Mowat-Wilson syndrome (MOWS). Also called: Classic Mowat-Wilson Syndrome. Identifiers: Orphanet 2152, MedGen C1856113, MONDO:0009341, OMIM 235730.

Allele frequency attached by ClinVar (database versions not stated): gnomAD exomes below 0.00001.
gnomAD v4.1: 1 of 1,614,182 alleles (0.000062%); highest among the groups gnomAD compares: Non-Finnish European, 0.000085%; no homozygotes.

Submission:

Labcorp Genetics (formerly Invitae), Labcorp
Classification: Uncertain significance for Mowat-Wilson syndrome. Last evaluated: 2023-08-03. Review status: criteria provided, single submitter. Criteria: Invitae Variant Classification Sherloc (09022015). Collection method: clinical testing. Allele origin: germline.
Comment: In summary, the available evidence is currently insufficient to determine the role of this variant in disease. Therefore, it has been classified as a Variant of Uncertain Significance. Advanced modeling of protein sequence and biophysical properties (such as structural, functional, and spatial information, amino acid conservation, physicochemical variation, residue mobility, and thermodynamic stability) performed at Invitae indicates that this missense variant is not expected to disrupt ZEB2 protein function. This variant has not been reported in the literature in individuals affected with ZEB2-related conditions. This variant is not present in population databases (gnomAD no frequency). This sequence change replaces cysteine, which is neutral and slightly polar, with serine, which is neutral and polar, at codon 539 of the ZEB2 protein (p.Cys539Ser).